The following is an entry in ClinVar:

NM_014425.5(INVS):c.154C>T (p.Leu52Phe)

Gene: INVS (inversin; plus strand). Cytogenetic location: 9q31.1.
Variant type: single nucleotide variant.
Coding change: c.154C>T on transcript NM_014425.5 (MANE Select); coding-DNA position 154, C replaced by T.
Protein change: p.Leu52Phe; replaces leucine 52 with phenylalanine.
Molecular consequence: missense variant. On other transcripts: 5 prime UTR variant (2), non-coding transcript variant (1).
Genome position (GRCh38, 1-based): chr9:100,126,430, C>T. VCF-style: chr9-100126430-C-T. GRCh37 (hg19) VCF-style: chr9-102888712-C-T.
Other names: c.-223C>T (NM_001318381.2); c.-836C>T (NM_001318382.2); short protein forms L52F.
Identifiers: ClinVar variation 1439018 (VCV001439018.5), dbSNP rs758283111, ClinGen allele CA5158090.

ClinVar aggregate classification (germline): Uncertain significance (1 of 4 stars; one submission).

Conditions:
Nephronophthisis. Also called: Juvenile Nephronophthisis. Identifiers: Orphanet 655, MedGen C0687120, MONDO:0019005, HP:0000090.

Allele frequency attached by ClinVar (database versions not stated): ExAC 0.00001; gnomAD exomes 0.00001.
gnomAD v4.1: 8 of 1,614,056 alleles (0.0005%); highest among the groups gnomAD compares: South Asian, 0.0088%; no homozygotes.

Submission:

Labcorp Genetics (formerly Invitae), Labcorp
Classification: Uncertain significance for Nephronophthisis. Last evaluated: 2024-02-24. Review status: criteria provided, single submitter. Criteria: Invitae Variant Classification Sherloc (09022015). Collection method: clinical testing. Allele origin: germline.
Comment: This sequence change replaces leucine, which is neutral and non-polar, with phenylalanine, which is neutral and non-polar, at codon 52 of the INVS protein (p.Leu52Phe). This variant is present in population databases (rs758283111, gnomAD 0.006%). This variant has not been reported in the literature in individuals affected with INVS-related conditions. ClinVar contains an entry for this variant (Variation ID: 1439018). An algorithm developed to predict the effect of missense changes on protein structure and function (PolyPhen-2) suggests that this variant is likely to be disruptive. In summary, the available evidence is currently insufficient to determine the role of this variant in disease. Therefore, it has been classified as a Variant of Uncertain Significance.